The following is an entry in ClinVar:

NM_001001344.3(ATP2B3):c.3653C>T (p.Thr1218Met)

Gene: ATP2B3 (ATPase plasma membrane Ca2+ transporting 3; plus strand). Cytogenetic location: Xq28.
Variant type: single nucleotide variant.
Coding change: c.3653C>T on transcript NM_001001344.3 (MANE Select); coding-DNA position 3653, C replaced by T.
Protein change: p.Thr1218Met; replaces threonine 1218 with methionine.
Molecular consequence: missense variant. On other transcripts: 3 prime UTR variant (2).
Genome position (GRCh38, 1-based): chrX:153,580,288, C>T. VCF-style: chrX-153580288-C-T. GRCh37 (hg19) VCF-style: chrX-152845746-C-T.
Other names: c.*285C>T (NM_001388360.1, NM_021949.4); c.3653C>T, p.Thr1218Met (NM_001388361.1); short protein forms T1218M.
Identifiers: ClinVar variation 3896389 (VCV003896389.2).
Genomic context (GRCh38, chrX:153,580,288, plus strand): 5'-AGTCAGCTACCTCTTCAGTGTTTTCCTCCAGTCCCGGGAGCCCGCTCCACAGCGTGGAGA[C>T]GTCCCTCTAACAAGAACTTGTCTCAGCACATGCGCACACGCACACTCGGACTCACACGAA-3'
Protein context (NP_001001344.1, residues 1208-1220): SPGSPLHSVE[Thr1218Met]SL

ClinVar aggregate classification (germline): Uncertain significance (1 of 4 stars; one submission).

Submission:

Women's Health and Genetics/Laboratory Corporation of America, LabCorp
Classification: Uncertain significance. Last evaluated: 2025-04-09. Review status: criteria provided, single submitter. Criteria: LabCorp Variant Classification Summary - May 2015. Collection method: clinical testing. Allele origin: germline.
Comment: Variant summary: ATP2B3 c.3653C>T (p.Thr1218Met) results in a non-conservative amino acid change in the encoded protein sequence. Four of four in-silico tools predict a damaging effect of the variant on protein function. The variant allele was found at a frequency of 1.1e-05 in 178104 control chromosomes. The available data on variant occurrences in the general population are insufficient to allow any conclusion about variant significance. To our knowledge, no occurrence of c.3653C>T in individuals affected with X-Linked Progressive Cerebellar Ataxia and no experimental evidence demonstrating its impact on protein function have been reported. No submitters have cited clinical-significance assessments for this variant to ClinVar. Based on the evidence outlined above, the variant was classified as uncertain significance.